The following is an entry in ClinVar:

ClinVar aggregate classification (germline): Pathogenic. Review status: criteria provided, single submitter (1 of 4 stars). 2 submissions from 1 submitter: Pathogenic (1). 1 of the submissions does not count toward it. Last evaluated 2022-09-13.

Conditions:
Autosomal recessive juvenile Parkinson disease 2. Also called: Parkinson disease autosomal recessive, early onset; Juvenile parkinsonism; Parkinsonism, early onset, with diurnal fluctuation; Parkinson disease, juvenile, type 2; PRKN-Related Early-Onset Parkinson Disease; PARKINSON DISEASE, JUVENILE, AUTOSOMAL RECESSIVE. Identifiers: Orphanet 2828, MedGen C1868675, MONDO:0010820, OMIM 600116.

Submissions (2):

Labcorp Genetics (formerly Invitae), Labcorp
Classification: Pathogenic. Last evaluated: 2022-09-13. Review status: criteria provided, single submitter. Criteria: Invitae Variant Classification Sherloc (09022015). Collection method: clinical testing. Allele origin: germline.
Comment: This variant results in a copy number gain of the genomic region encompassing exon(s) 3 of the PRKN gene. While the exact position of this variant cannot be determined from the data, sub-genic copy number gains are generally in tandem (PMID: 25640679). This variant is predicted to be out-of-frame, and may result in an absent or disrupted protein product. Loss-of-function variants in PRKN are known to be pathogenic (PMID: 10072423, 20301651, 22956510). A similar copy number variant has been observed in individual(s) with PRKN-related early-onset Parkinson's disease (PMID: 10824074; Invitae). In at least one individual the data is consistent with being in trans (on the opposite chromosome) from a pathogenic variant. For these reasons, this variant has been classified as Pathogenic.

Labcorp Genetics (formerly Invitae), Labcorp
Classification: Likely pathogenic for Parkinson disease 2. Last evaluated: 2018-05-07. Review status: flagged submission. Criteria: Invitae Variant Classification Sherloc (09022015). Collection method: clinical testing. Allele origin: germline. Not counted in ClinVar's aggregate classification.
Comment: This variant results in a copy number gain of the genomic region encompassing exon 3 of the PARK2 gene. While the exact position of this variant cannot be determined from this data, sub-genic copy number gains are generally in tandem (PMID: 25640679) and may result in an absent or disrupted protein product. This variant has been observed in two individuals affected withÂ¬â€ early-onset Parkinson's disease, and to be homozygous in one of these two individuals (PMID: 10824074). Loss-of-function variants in PARK2 are known to be pathogenic (PMID: 10072423, 20301651, 22956510). In summary, the currently available evidence indicates that the variant is pathogenic, but additional data are needed to prove that conclusively. Therefore, this variant has been classified as Likely Pathogenic.
ClinVar note: Reason: This record appears to be redundant with a more recent record from the same submitter.
ClinVar note: Notes: SCV000836938 appears to be redundant with SCV002236269.

Literature cited by the submitters: PubMed 25640679; PubMed 10072423; PubMed 20301651; PubMed 22956510; PubMed 10824074.

NC_000006.11:g.(?_162683537)_(162683817_?)dup

Gene: PRKN (parkin RBR E3 ubiquitin protein ligase; minus strand). Cytogenetic location: 6q26.
Variant type: Duplication.
Identifiers: ClinVar variation 583519 (VCV000583519.5).